The following is an entry in ClinVar:

ClinVar aggregate classification (germline): Uncertain significance. Review status: criteria provided, multiple submitters, no conflicts (2 of 4 stars). 2 submissions from 2 submitters: Uncertain significance (2). Last evaluated 2025-08-24.

Conditions:
Inborn genetic diseases. Identifiers: MedGen C0950123, MeSH D030342.

Allele frequency attached by ClinVar (database versions not stated): TOPMed 0.00002.

Submissions (2):

Ambry Genetics
Classification: Uncertain significance for Inborn genetic diseases. Last evaluated: 2025-08-24. Review status: criteria provided, single submitter. Criteria: Ambry Variant Classification Scheme 2023. Collection method: clinical testing. Allele origin: germline.

GeneDx
Classification: Uncertain significance. Last evaluated: 2019-07-23. Review status: criteria provided, single submitter. Criteria: GeneDx Variant Classification Process June 2021. Collection method: clinical testing. Allele origin: germline. Affected: yes.
Comment: Not observed in large population cohorts (Lek et al., 2016); In silico analysis, which includes protein predictors and evolutionary conservation, supports that this variant does not alter protein structure/function; Has not been previously published as pathogenic or benign to our knowledge

NM_001242896.3(DEPDC5):c.3094C>A (p.Pro1032Thr)

Gene: DEPDC5 (DEP domain containing 5, GATOR1 subcomplex subunit; plus strand). Cytogenetic location: 22q12.3.
Variant type: single nucleotide variant.
Coding change: c.3094C>A on transcript NM_001242896.3 (MANE Select); coding-DNA position 3094, C replaced by A.
Protein change: p.Pro1032Thr; replaces proline 1032 with threonine.
Molecular consequence: missense variant. On other transcripts: non-coding transcript variant (5).
Genome position (GRCh38, 1-based): chr22:31,846,906, C>A. VCF-style: chr22-31846906-C-A. GRCh37 (hg19) VCF-style: chr22-32242892-C-A.
Other names: c.3067C>A, p.Pro1023Thr (NM_001136029.4, NM_001369903.1, NM_014662.6); c.2860C>A, p.Pro954Thr (NM_001242897.2, NM_001363854.2, NM_001364319.2); c.3094C>A, p.Pro1032Thr (NM_001363852.2, NM_001364318.2, NM_001364320.2); c.3010C>A, p.Pro1004Thr (NM_001369901.1, NM_001369902.1); short protein forms P1004T, P1023T, P1032T, P954T.
Identifiers: ClinVar variation 1307152 (VCV001307152.3), dbSNP rs770979723, ClinGen allele CA411292181.
Genomic context (GRCh38, chr22:31,846,906, plus strand): 5'-ATGAAAGGCTTGCAGATGACTGGGCCCATTTCCACGCATTCTCTGGAGTCAACTGCACCC[C>A]CAGTGGGGAAGAAGGGAACCTCAGCTCTCTCTGCCCTGTTGGAGATGGAGGCCAGTCAGA-3'
Protein context (NP_001229825.1, residues 1022-1042): STHSLESTAP[Pro1032Thr]VGKKGTSALS